The following is an entry in ClinVar:

NM_201253.3(CRB1):c.830G>A (p.Cys277Tyr)

Gene: CRB1 (crumbs cell polarity complex component 1; plus strand). Cytogenetic location: 1q31.3.
Variant type: single nucleotide variant.
Coding change: c.830G>A on transcript NM_201253.3 (MANE Select); coding-DNA position 830, G replaced by A.
Protein change: p.Cys277Tyr; replaces cysteine 277 with tyrosine.
Molecular consequence: missense variant. On other transcripts: non-coding transcript variant (2), intron variant (1).
Genome position (GRCh38, 1-based): chr1:197,344,458, G>A. VCF-style: chr1-197344458-G-A. GRCh37 (hg19) VCF-style: chr1-197313588-G-A.
Other names: c.623G>A, p.Cys208Tyr (NM_001257965.2); c.830G>A, p.Cys277Tyr (NM_001257966.2); c.653-12373G>A (NM_001193640.2); short protein forms C277Y, C208Y.
Identifiers: ClinVar variation 2014705 (VCV002014705.5), dbSNP rs2527626523, ClinGen allele CA344083547.

ClinVar aggregate classification (germline): Uncertain significance. Review status: criteria provided, multiple submitters, no conflicts (2 of 4 stars). 2 submissions from 2 submitters: Uncertain significance (2). Last evaluated 2022-07-06.

Conditions:
Retinitis pigmentosa 12 (RP12). Also called: RP WITH OR WITHOUT PPRPE; RP WITH OR WITHOUT PRESERVED PARAARTERIOLE RETINAL PIGMENT EPITHELIUM; RETINITIS PIGMENTOSA WITH OR WITHOUT PARAARTERIOLAR PRESERVATION OF RETINAL PIGMENT EPITHELIUM. Identifiers: Orphanet 791, MedGen C1838647, MONDO:0010818, OMIM 600105.
Leber congenital amaurosis 8 (LCA8). Identifiers: Orphanet 65, MedGen C3151202, MONDO:0013453, OMIM 613835.

Submissions (2):

Labcorp Genetics (formerly Invitae), Labcorp
Classification: Uncertain significance for Leber congenital amaurosis 8; Retinitis pigmentosa 12. Last evaluated: 2022-07-06. Review status: criteria provided, single submitter. Criteria: Invitae Variant Classification Sherloc (09022015). Collection method: clinical testing. Allele origin: germline.
Comment: In summary, the available evidence is currently insufficient to determine the role of this variant in disease. Therefore, it has been classified as a Variant of Uncertain Significance. Advanced modeling of protein sequence and biophysical properties (such as structural, functional, and spatial information, amino acid conservation, physicochemical variation, residue mobility, and thermodynamic stability) performed at Invitae indicates that this missense variant is expected to disrupt CRB1 protein function. This variant has not been reported in the literature in individuals affected with CRB1-related conditions. This variant is not present in population databases (gnomAD no frequency). This sequence change replaces cysteine, which is neutral and slightly polar, with tyrosine, which is neutral and polar, at codon 277 of the CRB1 protein (p.Cys277Tyr).

Blueprint Genetics
Classification: Uncertain significance. Last evaluated: 2022-05-18. Review status: criteria provided, single submitter. Criteria: ACMG Guidelines, 2015. Collection method: clinical testing. Allele origin: germline.